The following is an entry in ClinVar:

NM_001080467.3(MYO5B):c.270G>A (p.Lys90=)

Gene: MYO5B (myosin VB; minus strand). Cytogenetic location: 18q21.1.
Variant type: single nucleotide variant.
Coding change: c.270G>A on transcript NM_001080467.3 (MANE Select); coding-DNA position 270, G replaced by A.
Protein change: p.Lys90=; no amino-acid change (lysine 90 retained).
Molecular consequence: synonymous variant.
Genome position (GRCh38, 1-based): chr18:50,040,183, C>T on the plus strand (G>A on the coding strand, the complement: MYO5B is on the minus strand). VCF-style: chr18-50040183-C-T. GRCh37 (hg19) VCF-style: chr18-47566553-C-T.
Other names: c.270G>A (NM_001080467.2).
Identifiers: ClinVar variation 1920173 (VCV001920173.6), dbSNP rs772586776, ClinGen allele CA8961936.
Genomic context (GRCh38, chr18:50,040,183, plus strand): 5'-AACAGATGCCCCCCACTTACCACAGTAAGTGTAGATATGGTTGGACTCCAGGAAACGGAC[C>T]TTCAAATTATGCAAAACTGCAGGCTCATGAAGATAGCTAAGGGCAGTCAGGTCATTTTCT-3'
Protein context (NP_001073936.1, residues 80-100): LHEPAVLHNL[Lys90=]VRFLESNHIY

ClinVar aggregate classification (germline): Likely benign. Review status: criteria provided, multiple submitters, no conflicts (2 of 4 stars). 2 submissions from 2 submitters: Likely benign (2). Last evaluated 2026-09-15.

Conditions:
MYO5B-related disorder. Also called: MYO5B-related condition.

Allele frequency attached by ClinVar (database versions not stated): gnomAD 0.00001; TOPMed 0.00001; ExAC 0.00002; gnomAD exomes 0.00003.
gnomAD v4.1: 46 of 1,612,140 alleles (0.0029%); highest among the groups gnomAD compares: Non-Finnish European, 0.0036%; no homozygotes.

Submissions (2):

PreventionGenetics, part of Exact Sciences
Classification: Likely benign for MYO5B-related condition. Last evaluated: 2026-09-15. Review status: criteria provided, single submitter. Criteria: ACMG Guidelines, 2015. Collection method: clinical testing. Allele origin: germline.
Comment: This variant is classified as likely benign based on ACMG/AMP sequence variant interpretation guidelines (Richards et al. 2015 PMID: 25741868, with internal and published modifications).

Labcorp Genetics (formerly Invitae), Labcorp
Classification: Likely benign. Last evaluated: 2025-12-29. Review status: criteria provided, single submitter. Criteria: Invitae Variant Classification Sherloc (09022015). Collection method: clinical testing. Allele origin: germline.